The following is an entry in ClinVar:

ClinVar aggregate classification (germline): Uncertain significance (1 of 4 stars; one submission).

Allele frequency attached by ClinVar (database versions not stated): TOPMed below 0.00001.
gnomAD v4.1: 1 of 1,575,436 alleles (0.000063%); highest among the groups gnomAD compares: Admixed American, 0.0018%; no homozygotes.

Submission:

Labcorp Genetics (formerly Invitae), Labcorp
Classification: Uncertain significance. Last evaluated: 2025-04-21. Review status: criteria provided, single submitter. Criteria: Invitae Variant Classification Sherloc (09022015). Collection method: clinical testing. Allele origin: germline.
Comment: This sequence change replaces serine, which is neutral and polar, with arginine, which is basic and polar, at codon 548 of the PDE6B protein (p.Ser548Arg). The frequency data for this variant in the population databases is considered unreliable, as metrics indicate poor data quality at this position in the gnomAD database. This variant has not been reported in the literature in individuals affected with PDE6B-related conditions. ClinVar contains an entry for this variant (Variation ID: 2919510). Invitae Evidence Modeling of protein sequence and biophysical properties (such as structural, functional, and spatial information, amino acid conservation, physicochemical variation, residue mobility, and thermodynamic stability) indicates that this missense variant is not expected to disrupt PDE6B protein function with a negative predictive value of 95%. In summary, the available evidence is currently insufficient to determine the role of this variant in disease. Therefore, it has been classified as a Variant of Uncertain Significance.

NM_000283.4(PDE6B):c.1644C>A (p.Ser548Arg)

Gene: PDE6B (phosphodiesterase 6B; plus strand). Cytogenetic location: 4p16.3.
Variant type: single nucleotide variant.
Coding change: c.1644C>A on transcript NM_000283.4 (MANE Select); coding-DNA position 1644, C replaced by A.
Protein change: p.Ser548Arg; replaces serine 548 with arginine.
Molecular consequence: missense variant.
Genome position (GRCh38, 1-based): chr4:662,163, C>A. VCF-style: chr4-662163-C-A. GRCh37 (hg19) VCF-style: chr4-655952-C-A.
Other names: c.1644C>A, p.Ser548Arg (NM_001145291.2); c.807C>A, p.Ser269Arg (NM_001145292.2, NM_001350154.3, NM_001379246.1 and 1 more transcripts); c.489C>A, p.Ser163Arg (NM_001350155.3); short protein forms S548R, S269R, S163R.
Identifiers: ClinVar variation 2919510 (VCV002919510.3), dbSNP rs1268389019, ClinGen allele CA355916831.